The following is an entry in ClinVar:

NM_003072.5(SMARCA4):c.557C>G (p.Ala186Gly)

Gene: SMARCA4 (SWI/SNF related BAF chromatin remodeling complex subunit ATPase 4; plus strand). Cytogenetic location: 19p13.2.
Variant type: single nucleotide variant.
Coding change: c.557C>G on transcript NM_003072.5 (MANE Select); coding-DNA position 557, C replaced by G.
Protein change: p.Ala186Gly; replaces alanine 186 with glycine.
Molecular consequence: missense variant. On other transcripts: non-coding transcript variant (1).
Genome position (GRCh38, 1-based): chr19:10,986,390, C>G. VCF-style: chr19-10986390-C-G. GRCh37 (hg19) VCF-style: chr19-11097066-C-G.
Other names: c.557C>G, p.Ala186Gly (NM_001128844.3, NM_001128845.2, NM_001128846.2 and 6 more transcripts); short protein forms A186G.
Identifiers: ClinVar variation 1805788 (VCV001805788.1), dbSNP rs942370486, ClinGen allele CA404056377.
Genomic context (GRCh38, chr19:10,986,390, plus strand): 5'-ACCGGGGCCCAACCCCATTTAACCAGAACCAGCTGCACCAGCTCAGAGCTCAGATCATGG[C>G]CTACAAGATGCTGGCCAGGGGGCAGCCCCTCCCCGACCACCTGCAGATGGCGGTGCAGGG-3'
Protein context (NP_003063.2, residues 176-196): QLHQLRAQIM[Ala186Gly]YKMLARGQPL

ClinVar aggregate classification (germline): Uncertain significance (1 of 4 stars; one submission).

Conditions:
Intellectual disability, autosomal dominant 16 (CSS4). Also called: COFFIN-SIRIS SYNDROME 4. Identifiers: Orphanet 1465, MedGen C3553249, MONDO:0013821, OMIM 614609.

Submission:

Victorian Clinical Genetics Services, Murdoch Childrens Research Institute
Classification: Uncertain significance for Intellectual disability, autosomal dominant 16. Last evaluated: 2020-05-21. Review status: criteria provided, single submitter. Criteria: ACMG Guidelines, 2015. Collection method: clinical testing. Allele origin: germline. Inheritance: Autosomal dominant inheritance. Affected: yes.
Comment: A heterozygous missense variant was identified, NM_001128849.1(SMARCA4):c.557C>G in exon 4 of 36 of the SMARCA4 gene. This substitution is predicted to create a minor amino acid change from an alanine to a glycine at position 186 of the protein; NP_001122321.1(SMARCA4):p.(Ala186Gly). The alanine at this position has very high conservation (100 vertebrates, UCSC), and is located within the QLQ domain (NCBI, PDB). In silico software predicts this variant to be damaging (PolyPhen2, SIFT, CADD, Mutation Taster). The variant is not present in the gnomAD population database. An alternative residue change at the same location has been reported in the gnomAD database at a frequency of 0.00045%. This variant has not previously been reported in clinical cases. Based on information available at the time of curation, this variant has been classified as a VUS. Legend: (P) - Pathogenic, (N) - Neutral, (B) - Benign